The following is an entry in ClinVar:

ClinVar aggregate classification (germline): Uncertain significance (1 of 4 stars; one submission).

Submission:

Dasa
Classification: Uncertain significance. Last evaluated: 2026-06-08. Review status: criteria provided, single submitter. Criteria: DASA Assertion Criteria. Collection method: clinical testing. Allele origin: germline.
Comment: NM_000170.3(GLDC):c.2797A>G (p.Ile933Val) is a missense variant that results in the substitution of isoleucine with valine. The affected residue or protein region has prior evidence supporting clinical relevance. This variant is rare in population databases. The currently available literature and clinical evidence are not sufficient to establish a definitive association between this variant and the reported condition. Therefore, this variant is classified as a variant of uncertain significance.

NM_000170.3(GLDC):c.2797A>G (p.Ile933Val)

Gene: GLDC (glycine decarboxylase; minus strand). Cytogenetic location: 9p24.1.
Variant type: single nucleotide variant.
Coding change: c.2797A>G on transcript NM_000170.3 (MANE Select); coding-DNA position 2797, A replaced by G.
Protein change: p.Ile933Val; replaces isoleucine 933 with valine.
Molecular consequence: missense variant.
Genome position (GRCh38, 1-based): chr9:6,536,105, T>C on the plus strand (A>G on the coding strand, the complement: GLDC is on the minus strand). VCF-style: chr9-6536105-T-C. GRCh37 (hg19) VCF-style: chr9-6536105-T-C.
Other names: short protein forms I933V.
Identifiers: ClinVar variation 5020414 (VCV005020414.1).
Genomic context (GRCh38, chr9:6,536,105, plus strand): 5'-TGTTCCAGGGCCTACGCACCTTCAGCGGATTGACCCTGGGGTCGATGCGGCCCTCCTCAA[T>C]GTCAGCAATTTCCTGCCGAATGCTGATCATGGCATCACAGAATCTGTCCAGCTCTGCCTT-3'
Protein context (NP_000161.2, residues 923-943): MISIRQEIAD[Ile933Val]EEGRIDPRVN